The following is an entry in ClinVar:

ClinVar aggregate classification (germline): Uncertain significance. Review status: criteria provided, multiple submitters, no conflicts (2 of 4 stars). 3 submissions from 3 submitters: Uncertain significance (3). Last evaluated 2025-07-25.

Conditions:
Familial thoracic aortic aneurysm and aortic dissection (TAAD). Also called: Thoracic aortic aneurysms and dissections. Identifiers: Orphanet 91387, MedGen C4707243, MONDO:0019625.
Ehlers-Danlos syndrome, classic type, 1 (EDSCL1). Also called: EHLERS-DANLOS SYNDROME, GRAVIS TYPE; EHLERS-DANLOS SYNDROME, SEVERE CLASSIC TYPE; Ehlers-Danlos syndrome, type 1; Ehlers-Danlos Syndrome, Classic Type, COL5A1-Related; EDS I. Identifiers: MedGen C0268335, MONDO:0019567, OMIM 130000.

gnomAD v4.1: 5 of 1,551,244 alleles (0.00032%); highest among the groups gnomAD compares: Non-Finnish European, 0.00044%; no homozygotes.

Submissions (3):

Ambry Genetics
Classification: Uncertain significance for Familial thoracic aortic aneurysm and aortic dissection. Last evaluated: 2025-07-25. Review status: criteria provided, single submitter. Criteria: Ambry Variant Classification Scheme 2023. Collection method: clinical testing. Allele origin: germline.
Comment: The p.P1328L variant (also known as c.3983C>T), located in coding exon 50 of the COL5A1 gene, results from a C to T substitution at nucleotide position 3983. The proline at codon 1328 is replaced by leucine, an amino acid with similar properties. This amino acid position is highly conserved in available vertebrate species. In addition, the in silico prediction for this alteration is inconclusive. Based on the available evidence, the clinical significance of this variant remains unclear.

GeneDx
Classification: Uncertain significance. Last evaluated: 2024-05-08. Review status: criteria provided, single submitter. Criteria: GeneDx Variant Classification Process June 2021. Collection method: clinical testing. Allele origin: germline. Affected: yes.
Comment: Not observed at significant frequency in large population cohorts (gnomAD); In silico analysis supports that this missense variant has a deleterious effect on protein structure/function; Has not been previously published as pathogenic or benign to our knowledge; Occurs in the triple helical domain at the X position in the canonical Gly-X-Y repeat; although this variant may have an effect on normal protein folding and function, missense substitution at the X position is not a common mechanism of disease (PMID: 22696272; HGMD); This variant is associated with the following publications: (PMID: 22696272)

Labcorp Genetics (formerly Invitae), Labcorp
Classification: Uncertain significance for Ehlers-Danlos syndrome, classic type, 1. Last evaluated: 2023-11-16. Review status: criteria provided, single submitter. Criteria: Invitae Variant Classification Sherloc (09022015). Collection method: clinical testing. Allele origin: germline.
Comment: This sequence change replaces proline, which is neutral and non-polar, with leucine, which is neutral and non-polar, at codon 1328 of the COL5A1 protein (p.Pro1328Leu). This variant is present in population databases (no rsID available, gnomAD 0.004%). This variant has not been reported in the literature in individuals affected with COL5A1-related conditions. Advanced modeling of protein sequence and biophysical properties (such as structural, functional, and spatial information, amino acid conservation, physicochemical variation, residue mobility, and thermodynamic stability) performed at Invitae indicates that this missense variant is not expected to disrupt COL5A1 protein function with a negative predictive value of 80%. In summary, the available evidence is currently insufficient to determine the role of this variant in disease. Therefore, it has been classified as a Variant of Uncertain Significance.

NM_000093.5(COL5A1):c.3983C>T (p.Pro1328Leu)

Gene: COL5A1 (collagen type V alpha 1 chain; plus strand). Cytogenetic location: 9q34.3.
Variant type: single nucleotide variant.
Coding change: c.3983C>T on transcript NM_000093.5 (MANE Select); coding-DNA position 3983, C replaced by T.
Protein change: p.Pro1328Leu; replaces proline 1328 with leucine.
Molecular consequence: missense variant.
Genome position (GRCh38, 1-based): chr9:134,814,873, C>T. VCF-style: chr9-134814873-C-T. GRCh37 (hg19) VCF-style: chr9-137706719-C-T.
Other names: c.3983C>T, p.Pro1328Leu (NM_001278074.1); c.3983C>T (NM_000093.3); short protein forms P1328L.
Identifiers: ClinVar variation 2810615 (VCV002810615.5), dbSNP rs140797509, ClinGen allele CA375456128.